The following is an entry in ClinVar:

ClinVar aggregate classification (germline): Pathogenic/Likely pathogenic. Review status: criteria provided, multiple submitters, no conflicts (2 of 4 stars). 6 submissions from 6 submitters: Pathogenic (2); Likely pathogenic (3). 1 of the submissions does not count toward it. Last evaluated 2022-07-29.

Conditions:
Intellectual developmental disorder, autosomal dominant 44, with microcephaly. Also called: Micrognathia-recurrent infections-behavioral abnormalities-mild intellectual disability syndrome; TRIO-Related Intellectual Disability. Identifiers: Orphanet 476126, MedGen C4310740, MONDO:0014892, OMIM 617061.
TRIO-related disorder. Also called: TRIO-related condition; TRIO-related disorders.
Intellectual disability. Also called: Intellectual developmental disorder; Intellectual functioning disability; intellectual disabilities. Identifiers: MedGen C3714756, MeSH D008607, MONDO:0001071, HP:0001249.

Submissions (6):

GeneDx
Classification: Pathogenic. Last evaluated: 2022-07-29. Review status: criteria provided, single submitter. Criteria: GeneDx Variant Classification Process June 2021. Collection method: clinical testing. Allele origin: germline. Affected: yes.
Comment: Frameshift variant predicted to result in protein truncation or nonsense mediated decay in a gene for which loss-of-function is a known mechanism of disease; Not observed at a significant frequency in large population cohorts (gnomAD); This variant is associated with the following publications: (PMID: 32109419)

3billion
Classification: Pathogenic for Intellectual developmental disorder, autosomal dominant 44, with microcephaly. Last evaluated: 2022-05-22. Review status: criteria provided, single submitter. Criteria: ACMG Guidelines, 2015. Collection method: clinical testing. Allele origin: germline. Affected: yes. Observed: 1 heterozygote.
Comment: The variant is observed at an extremely low frequency in the gnomAD v2.1.1 dataset (total allele frequency: 0.002%). Frameshift: predicted to result in a loss or disruption of normal protein function through nonsense-mediated decay (NMD) or protein truncation. Multiple pathogenic variants are reported downstream of the variant. The variant has been previously reported as de novo in a similarly affected individual (PMID: 32109419). The variant has been reported to be associated with TRIO related disorder (ClinVar ID: VCV000830230). Therefore, this variant is classified as likely pathogenic according to the recommendation of ACMG/AMP guideline.

Blueprint Genetics
Classification: Likely pathogenic for TRIO-related disorders. Last evaluated: 2021-04-07. Review status: criteria provided, single submitter. Criteria: ACMG Guidelines, 2015. Collection method: clinical testing. Allele origin: germline. Affected: yes. Observed: 1 variant allele.

Diagnostic Laboratory, Strasbourg University Hospital
Classification: Likely pathogenic for Intellectual disability. Last evaluated: 2020-09-10. Review status: criteria provided, single submitter. Criteria: ACMG Guidelines, 2015. Collection method: clinical testing. Allele origin: de novo. Affected: yes. Observed: 1 heterozygote.

Laboratorio de Genetica e Diagnostico Molecular, Hospital Israelita Albert Einstein
Classification: Likely pathogenic. Last evaluated: 2019-12-11. Review status: criteria provided, single submitter. Criteria: ACMG Guidelines, 2015. Collection method: clinical testing. Allele origin: germline. Affected: yes.
Comment: ACMG classification criteria: PVS1, PM2

OMIM
Classification: Pathogenic for INTELLECTUAL DEVELOPMENTAL DISORDER, AUTOSOMAL DOMINANT 44, WITH MICROCEPHALY. Last evaluated: 2020-03-31. Review status: no assertion criteria provided. Collection method: literature only. Allele origin: germline. Not counted in ClinVar's aggregate classification.

Literature cited by the submitters: PubMed 32109419 (cited by 3billion and OMIM).

NM_007118.4(TRIO):c.6092dup (p.Leu2031fs)

Gene: TRIO (trio Rho guanine nucleotide exchange factor; plus strand). Cytogenetic location: 5p15.2.
Variant type: Duplication.
Coding change: c.6092dup on transcript NM_007118.4 (MANE Select); coding-DNA position 6092, one base duplicated (T; older notation c.6092dupT).
Protein change: p.Leu2031fs; shifts the reading frame from leucine 2031.
Molecular consequence: frameshift variant. On other transcripts: non-coding transcript variant (1).
Genome position (GRCh38, 1-based): chr5:14,476,902, T duplicated; the last of 8 consecutive T bases (chr5:14,476,895-14,476,902); duplicating any one gives the same sequence. VCF-style (leftmost placement, unchanged base first): chr5-14476894-C-CT. GRCh37 (hg19) VCF-style: chr5-14477003-C-CT.
Other names: c.6085dupT (NM_007118.4); short protein forms L2031fs.
Identifiers: ClinVar variation 830230 (VCV000830230.8), dbSNP rs752676391, ClinGen allele CA557885462.